The following is an entry in ClinVar:

NM_000256.3(MYBPC3):c.1952G>A (p.Cys651Tyr)

Gene: MYBPC3 (myosin binding protein C3; minus strand). Cytogenetic location: 11p11.2.
Variant type: single nucleotide variant.
Coding change: c.1952G>A on transcript NM_000256.3 (MANE Select); coding-DNA position 1952, G replaced by A.
Protein change: p.Cys651Tyr; replaces cysteine 651 with tyrosine.
Molecular consequence: missense variant.
Genome position (GRCh38, 1-based): chr11:47,339,766, C>T on the plus strand (G>A on the coding strand, the complement: MYBPC3 is on the minus strand). VCF-style: chr11-47339766-C-T. GRCh37 (hg19) VCF-style: chr11-47361317-C-T.
Other names: short protein forms C651Y.
Identifiers: ClinVar variation 4726901 (VCV004726901.1).
Genomic context (GRCh38, chr11:47,339,766, plus strand): 5'-ACGTCCAGACGTAGCTTATTTCCAGCTACAACCACAATGGTGTCTGGTATGCGGCCTGGG[C>T]AGTCCAGGTGGATCTTGGGAGGTTCTGCAGAAGACACAATGTAGTTCAGAGAAACGGGAG-3'
Protein context (NP_000247.2, residues 641-661): RQEPPKIHLD[Cys651Tyr]PGRIPDTIVV

ClinVar aggregate classification (germline): Uncertain significance (1 of 4 stars; one submission).

Conditions:
Hypertrophic cardiomyopathy. Also called: HYPERTROPHIC MYOCARDIOPATHY. Identifiers: Orphanet 217569, MedGen C0007194, MeSH D002312, MONDO:0005045, HP:0001639.

Submission:

Labcorp Genetics (formerly Invitae), Labcorp
Classification: Uncertain significance for Hypertrophic cardiomyopathy. Last evaluated: 2025-09-10. Review status: criteria provided, single submitter. Criteria: Invitae Variant Classification Sherloc (09022015). Collection method: clinical testing. Allele origin: germline.
Comment: This sequence change replaces cysteine, which is neutral and slightly polar, with tyrosine, which is neutral and polar, at codon 651 of the MYBPC3 protein (p.Cys651Tyr). This variant is not present in population databases (gnomAD no frequency). This variant has not been reported in the literature in individuals affected with MYBPC3-related conditions. An algorithm developed to predict the effect of missense changes on protein structure and function (PolyPhen-2) suggests that this variant is likely to be disruptive. In summary, the available evidence is currently insufficient to determine the role of this variant in disease. Therefore, it has been classified as a Variant of Uncertain Significance.